The following is an entry in ClinVar:

NM_206926.2(SELENON):c.1470GAT[2] (p.Met492del)

Gene: SELENON (selenoprotein N; plus strand). Cytogenetic location: 1p36.11.
Variant type: Microsatellite.
Coding change: c.1470GAT[2] on transcript NM_206926.2 (MANE Select); two copies in a row of the 3-base unit GAT starting at c.1470; the reference has three copies in a row; one copy, 3 bases deleted.
Protein change: p.Met492del; deletes methionine 492.
Molecular consequence: inframe deletion.
Genome position (GRCh38, 1-based): chr1:25,814,154-25,814,156, GAT deleted; deleting any 3 consecutive bases within chr1:25,814,148-25,814,156 gives the same sequence; the position shown is the placement nearest the transcript's 3' end. VCF-style (leftmost placement, unchanged base first): chr1-25814147-AGAT-A. GRCh37 (hg19) VCF-style: chr1-26140638-AGAT-A.
Other names: c.1572GAT[2], p.Met526del (NM_020451.3); short protein forms M526del, M492del.
Identifiers: ClinVar variation 943796 (VCV000943796.10), dbSNP rs2047990479, ClinGen allele CA999748849.

ClinVar aggregate classification (germline): Uncertain significance (1 of 4 stars; one submission).

Conditions:
Eichsfeld type congenital muscular dystrophy (CMYO3). Also called: MYOPATHY, SEPN1-RELATED; Rigid spine muscular dystrophy 1; SELENON-related myopathy; Congenital myopathy 3 with rigid spine. Identifiers: MedGen C0410180, MONDO:0100100, OMIM 602771.

Submission:

Labcorp Genetics (formerly Invitae), Labcorp
Classification: Uncertain significance for Eichsfeld type congenital muscular dystrophy. Last evaluated: 2022-07-26. Review status: criteria provided, single submitter. Criteria: Invitae Variant Classification Sherloc (09022015). Collection method: clinical testing. Allele origin: germline.
Comment: This variant, c.1578_1580del, results in the deletion of 1 amino acid(s) of the SELENON protein (p.Met526del), but otherwise preserves the integrity of the reading frame. This variant is not present in population databases (gnomAD no frequency). This variant has not been reported in the literature in individuals affected with SELENON-related conditions. ClinVar contains an entry for this variant (Variation ID: 943796). Experimental studies and prediction algorithms are not available or were not evaluated, and the functional significance of this variant is currently unknown. In summary, the available evidence is currently insufficient to determine the role of this variant in disease. Therefore, it has been classified as a Variant of Uncertain Significance.